The following is an entry in ClinVar:

NM_203475.3(PORCN):c.667G>A (p.Gly223Ser)

Gene: PORCN (porcupine O-acyltransferase; plus strand). Cytogenetic location: Xp11.23.
Variant type: single nucleotide variant.
Coding change: c.667G>A on transcript NM_203475.3 (MANE Select); coding-DNA position 667, G replaced by A.
Protein change: p.Gly223Ser; replaces glycine 223 with serine.
Molecular consequence: missense variant.
Genome position (GRCh38, 1-based): chrX:48,512,700, G>A. VCF-style: chrX-48512700-G-A. GRCh37 (hg19) VCF-style: chrX-48371088-G-A.
Other names: c.454G>A, p.Gly152Ser (NM_001282167.2); c.667G>A, p.Gly223Ser (NM_022825.4, NM_203473.3, NM_203474.1); short protein forms G152S, G223S.
Identifiers: ClinVar variation 1913024 (VCV001913024.5), dbSNP rs1398971930, ClinGen allele CA412845413.

ClinVar aggregate classification (germline): Uncertain significance (1 of 4 stars; one submission).

Allele frequency attached by ClinVar (database versions not stated): gnomAD exomes 0.00001; gnomAD 0.00002; TOPMed 0.00002.
gnomAD v4.1: 10 of 1,210,714 alleles (0.00083%); highest among the groups gnomAD compares: East Asian, 0.0089%; no homozygotes.

Submission:

Labcorp Genetics (formerly Invitae), Labcorp
Classification: Uncertain significance. Last evaluated: 2022-03-09. Review status: criteria provided, single submitter. Criteria: Invitae Variant Classification Sherloc (09022015). Collection method: clinical testing. Allele origin: germline.
Comment: This sequence change replaces glycine, which is neutral and non-polar, with serine, which is neutral and polar, at codon 223 of the PORCN protein (p.Gly223Ser). In summary, the available evidence is currently insufficient to determine the role of this variant in disease. Therefore, it has been classified as a Variant of Uncertain Significance. Algorithms developed to predict the effect of missense changes on protein structure and function (SIFT, PolyPhen-2, Align-GVGD) all suggest that this variant is likely to be disruptive. This variant has not been reported in the literature in individuals affected with PORCN-related conditions. This variant is present in population databases (no rsID available, gnomAD 0.01%).